The following is an entry in ClinVar:

ClinVar aggregate classification (germline): Likely benign (1 of 4 stars; one submission).

Conditions:
WDR48-related disorder. Also called: WDR48-related condition.

Submission:

PreventionGenetics, part of Exact Sciences
Classification: Likely benign for WDR48-related condition. Last evaluated: 2025-09-25. Review status: criteria provided, single submitter. Criteria: ACMG Guidelines, 2015. Collection method: clinical testing. Allele origin: germline.
Comment: This variant is classified as likely benign based on ACMG/AMP sequence variant interpretation guidelines (Richards et al. 2015 PMID: 25741868, with internal and published modifications).

NM_020839.4(WDR48):c.1881AGA[2] (p.Glu629del)

Gene: WDR48 (WD repeat domain 48; plus strand). Cytogenetic location: 3p22.2.
Variant type: Microsatellite.
Coding change: c.1881AGA[2] on transcript NM_020839.4 (MANE Select); two copies in a row of the 3-base unit AGA starting at c.1881; the reference has three copies in a row; one copy, 3 bases deleted.
Protein change: p.Glu629del; deletes glutamic acid 629.
Molecular consequence: inframe deletion. On other transcripts: non-coding transcript variant (3).
Genome position (GRCh38, 1-based): chr3:39,094,015-39,094,017, AGA deleted; deleting any 3 consecutive bases within chr3:39,094,008-39,094,017 gives the same sequence; the position shown is the placement nearest the transcript's 3' end. VCF-style (leftmost placement, unchanged base first): chr3-39094007-AAAG-A. GRCh37 (hg19) VCF-style: chr3-39135498-AAAG-A.
Other names: c.1635AGA[2], p.Glu547del (NM_001303402.2); c.1854AGA[2], p.Glu620del (NM_001303403.2); c.1995AGA[2], p.Glu667del (NM_001346225.2); c.1710AGA[2], p.Glu572del (NM_001346226.2); c.1356AGA[2], p.Glu454del (NM_001346227.2); c.1671AGA[2], p.Glu559del (NM_001346228.2); short protein forms E667del, E629del, E454del, E547del, E620del, E559del, E572del.
Identifiers: ClinVar variation 4997645 (VCV004997645.1).
Genomic context (GRCh38, chr3:39,094,007, plus strand): 5'-TTGGATAATGAGTCTCAAACCACTAGCTCTTCTAATAATGAAAAACCAGGAGAACAGGAA[AAAG>A]AAGAAGATATTGCTGTGTTGGCAGAGGAGAAAATTGAACTTTTGTGCCAGGACCAGGTAA-3'